The following is an entry in ClinVar:

ClinVar aggregate classification (germline): Uncertain significance (1 of 4 stars; one submission).

Conditions:
FGFR2-related craniosynostosis. Identifiers: MedGen CN231480.

Submission:

Labcorp Genetics (formerly Invitae), Labcorp
Classification: Uncertain significance for FGFR2-related craniosynostosis. Last evaluated: 2023-09-17. Review status: criteria provided, single submitter. Criteria: Invitae Variant Classification Sherloc (09022015). Collection method: clinical testing. Allele origin: unknown.
Comment: In summary, the available evidence is currently insufficient to determine the role of this variant in disease. Therefore, it has been classified as a Variant of Uncertain Significance. Experimental studies and prediction algorithms are not available or were not evaluated, and the functional significance of this variant is currently unknown. This variant has not been reported in the literature in individuals affected with FGFR2-related conditions. This variant results in a copy number gain of the genomic region encompassing exon(s) 3-4 of the FGFR2 gene. While the exact position of this variant cannot be determined from the data, sub-genic copy number gains are generally in tandem (PMID: 25640679). This variant is predicted to be in-frame, and likely preserves the integrity of the reading frame.

Literature cited by the submitters: PubMed 25640679.

NC_000010.10:g.(?_123323996)_(123325238_?)dup

Gene: FGFR2 (fibroblast growth factor receptor 2; minus strand). Cytogenetic location: 10q26.13.
Variant type: Duplication.
Identifiers: ClinVar variation 3244923 (VCV003244923.1).